The following is an entry in ClinVar:

ClinVar aggregate classification (germline): Uncertain significance (1 of 4 stars; one submission).

gnomAD v4.1: 2 of 1,614,154 alleles (0.00012%); highest among the groups gnomAD compares: Admixed American, 0.0017%; no homozygotes.

Submission:

Dasa
Classification: Uncertain significance. Last evaluated: 2025-11-28. Review status: criteria provided, single submitter. Criteria: DASA Assertion Criteria. Collection method: clinical testing. Allele origin: germline.
Comment: NM_014712.3(SETD1A):c.4464G>C (p.Glu1488Asp) is a missense variant that results in the substitution of glutamic acid with aspartic acid. This variant is rare in population databases. The currently available literature and clinical evidence are not sufficient to establish a definitive association between this variant and the reported condition. Therefore, this variant is classified as a variant of uncertain significance.

NM_014712.3(SETD1A):c.4464G>C (p.Glu1488Asp)

Gene: SETD1A (SET domain containing 1A, histone lysine methyltransferase; plus strand). Cytogenetic location: 16p11.2.
Variant type: single nucleotide variant.
Coding change: c.4464G>C on transcript NM_014712.3 (MANE Select); coding-DNA position 4464, G replaced by C.
Protein change: p.Glu1488Asp; replaces glutamic acid 1488 with aspartic acid.
Molecular consequence: missense variant.
Genome position (GRCh38, 1-based): chr16:30,980,540, G>C. VCF-style: chr16-30980540-G-C. GRCh37 (hg19) VCF-style: chr16-30991861-G-C.
Other names: short protein forms E1488D.
Identifiers: ClinVar variation 4885910 (VCV004885910.2).